The following is an entry in ClinVar:

NM_006648.4(WNK2):c.2059C>G (p.Pro687Ala)

Gene: WNK2 (WNK lysine deficient protein kinase 2; plus strand). Cytogenetic location: 9q22.31.
Variant type: single nucleotide variant.
Coding change: c.2059C>G on transcript NM_006648.4 (MANE Select); coding-DNA position 2059, C replaced by G.
Protein change: p.Pro687Ala; replaces proline 687 with alanine.
Molecular consequence: missense variant.
Genome position (GRCh38, 1-based): chr9:93,256,323, C>G. VCF-style: chr9-93256323-C-G. GRCh37 (hg19) VCF-style: chr9-96018605-C-G.
Other names: c.2059C>G, p.Pro687Ala (NM_001282394.3); short protein forms P687A.
Identifiers: ClinVar variation 4605285 (VCV004605285.1).
Genomic context (GRCh38, chr9:93,256,323, plus strand): 5'-AGCTGCTGCTGAGTGTGGCCCTGGTGCTCTCTGCAGCCTGGCTTGCCGGTGGGCTCTGTC[C>G]CGGCCCCCGCCTGCCCTCCGTCCCTCCAGCAGCACTTCCCGGATCCGGCCATGAGCTTCG-3'
Protein context (NP_006639.3, residues 677-697): AAPGLPVGSV[Pro687Ala]APACPPSLQQ

ClinVar aggregate classification (germline): Uncertain significance (1 of 4 stars; one submission).

Submission:

Ambry Genetics
Classification: Uncertain significance. Last evaluated: 2025-10-22. Review status: criteria provided, single submitter. Criteria: Ambry Variant Classification Scheme 2023. Collection method: clinical testing. Allele origin: germline.
Comment: The p.P687A variant (also known as c.2059C>G), located in coding exon 9 of the WNK2 gene, results from a C to G substitution at nucleotide position 2059. The proline at codon 687 is replaced by alanine, an amino acid with highly similar properties. This amino acid position is conserved. In addition, this alteration is predicted to be tolerated by in silico analysis. Based on the available evidence, the clinical significance of this variant remains unclear.